The following is an entry in ClinVar:

ClinVar aggregate classification (germline): Uncertain significance (1 of 4 stars; one submission).

Conditions:
Pallister-Hall syndrome (PHS). Also called: HYPOTHALAMIC HAMARTOBLASTOMA, HYPOPITUITARISM, IMPERFORATE ANUS, AND POSTAXIAL POLYDACTYLY; GLI3-Related Pallister-Hall Syndrome. Identifiers: Orphanet 672, MedGen C0265220, MONDO:0007804, OMIM 146510.
Greig cephalopolysyndactyly syndrome (GCPS). Also called: Greig syndrome; GLI3-Related Greig Cephalopolysyndactyly Syndrome; POLYSYNDACTYLY WITH PECULIAR SKULL SHAPE. Identifiers: Orphanet 380, MedGen C0265306, MONDO:0008287, OMIM 175700.

Submission:

Labcorp Genetics (formerly Invitae), Labcorp
Classification: Uncertain significance for Pallister-Hall syndrome; Greig cephalopolysyndactyly syndrome. Last evaluated: 2022-05-04. Review status: criteria provided, single submitter. Criteria: Invitae Variant Classification Sherloc (09022015). Collection method: clinical testing. Allele origin: germline.
Comment: In summary, the available evidence is currently insufficient to determine the role of this variant in disease. Therefore, it has been classified as a Variant of Uncertain Significance. Experimental studies and prediction algorithms are not available or were not evaluated, and the functional significance of this variant is currently unknown. This variant has not been reported in the literature in individuals affected with GLI3-related conditions. This variant is not present in population databases (gnomAD no frequency). This variant, c.4043_4045del, results in the deletion of 1 amino acid(s) of the GLI3 protein (p.Ile1348del), but otherwise preserves the integrity of the reading frame.

NM_000168.6(GLI3):c.4043_4045del (p.Ile1348del)

Gene: GLI3 (GLI family zinc finger 3; minus strand). Cytogenetic location: 7p14.1.
Variant type: Deletion.
Coding change: c.4043_4045del on transcript NM_000168.6 (MANE Select); coding-DNA positions 4043 to 4045, 3 bases deleted (TTA; older notation c.4043_4045delTTA).
Protein change: p.Ile1348del; deletes isoleucine 1348.
Molecular consequence: inframe deletion.
Genome position (GRCh38, 1-based): chr7:41,965,028-41,965,030, TAA deleted on the plus strand (TTA on the coding strand, the reverse complement: GLI3 is on the minus strand); deleting any 3 consecutive bases within chr7:41,965,028-41,965,031 gives the same sequence; the c. name uses the placement nearest the transcript's 3' end. VCF-style (leftmost placement, unchanged base first): chr7-41965027-CTAA-C. GRCh37 (hg19) VCF-style: chr7-42004625-CTAA-C.
Other names: short protein forms I1348del.
Identifiers: ClinVar variation 2133815 (VCV002133815.4), dbSNP rs2484366887, ClinGen allele CA2580077116.
Genomic context (GRCh38, chr7:41,965,027, plus strand): 5'-CCGTGAGCCCCTGGCAGGCAGCTCTCTGGCCCTTGGTAGATGTTGATGTGTGAGGTAGCA[CTAA>C]TCTGCCCAAGCATCTGCTGACCGGGGCGGCCTGCCCCCGGGTGCTGCATGCTGTCGCCGA-3'